The following is an entry in ClinVar:

NM_000138.5(FBN1):c.3023G>C (p.Cys1008Ser)

Gene: FBN1 (fibrillin 1; minus strand). Cytogenetic location: 15q21.1.
Variant type: single nucleotide variant.
Coding change: c.3023G>C on transcript NM_000138.5 (MANE Select); coding-DNA position 3023, G replaced by C.
Protein change: p.Cys1008Ser; replaces cysteine 1008 with serine.
Molecular consequence: missense variant.
Genome position (GRCh38, 1-based): chr15:48,489,910, C>G on the plus strand (G>C on the coding strand, the complement: FBN1 is on the minus strand). VCF-style: chr15-48489910-C-G. GRCh37 (hg19) VCF-style: chr15-48782107-C-G.
Other names: short protein forms C1008S.
Identifiers: ClinVar variation 1455712 (VCV001455712.8), dbSNP rs2141297152, ClinGen allele CA392328998.

ClinVar aggregate classification (germline): Pathogenic (1 of 4 stars; one submission).

Conditions:
Marfan syndrome (MFS). Also called: MARFAN SYNDROME, TYPE I; Marfan syndrome type 1; Marfan's syndrome; Marfan syndrome, classic; FBN1-Related Marfan Syndrome. Identifiers: Orphanet 284963, Orphanet 558, MedGen C0024796, MONDO:0007947, OMIM 154700.
Familial thoracic aortic aneurysm and aortic dissection (TAAD). Also called: Thoracic aortic aneurysms and dissections. Identifiers: Orphanet 91387, MedGen C4707243, MONDO:0019625.

Submission:

Labcorp Genetics (formerly Invitae), Labcorp
Classification: Pathogenic for Marfan syndrome; Familial thoracic aortic aneurysm and aortic dissection. Last evaluated: 2021-06-10. Review status: criteria provided, single submitter. Criteria: Invitae Variant Classification Sherloc (09022015). Collection method: clinical testing. Allele origin: germline.
Comment: This variant is not present in population databases (ExAC no frequency). This variant disrupts the p.Cys1008 amino acid residue in FBN1. Other variant(s) that disrupt this residue have been observed in individuals with FBN1-related conditions (PMID: 17984934, 18435798), which suggests that this may be a clinically significant amino acid residue. For these reasons, this variant has been classified as Pathogenic. This variant affects a cysteine residue in the EGF-like, TGFBP or hybrid motif domains of FBN1. Cysteine residues are believed to be involved in intramolecular disulfide bridges and have been shown to be important for FBN1 protein structure (PMID: 16905551, 19349279). In addition, missense substitutions affecting cysteine residues within these domains are significantly overrepresented among patients with Marfan syndrome (PMID: 16571647, 17701892). Advanced modeling of protein sequence and biophysical properties (such as structural, functional, and spatial information, amino acid conservation, physicochemical variation, residue mobility, and thermodynamic stability) performed at Invitae indicates that this missense variant is expected to disrupt FBN1 protein function. This variant has been observed in individual(s) with clinical features of Marfan syndrome (Invitae). This sequence change replaces cysteine with serine at codon 1008 of the FBN1 protein (p.Cys1008Ser). The cysteine residue is highly conserved and there is a moderate physicochemical difference between cysteine and serine.

Literature cited by the submitters: PubMed 17984934; PubMed 18435798; PubMed 16905551; PubMed 19349279; PubMed 16571647; PubMed 17701892.